The following is an entry in ClinVar:

NM_000639.3(FASLG):c.451+7A>G

Gene: FASLG (Fas ligand; plus strand). Cytogenetic location: 1q24.3.
Variant type: single nucleotide variant.
Coding change: c.451+7A>G on transcript NM_000639.3 (MANE Select); 7 bases into the intron after coding-DNA position 451, A replaced by G.
Molecular consequence: intron variant.
Genome position (GRCh38, 1-based): chr1:172,664,397, A>G. VCF-style: chr1-172664397-A-G. GRCh37 (hg19) VCF-style: chr1-172633537-A-G.
Other names: c.*21+7A>G (NM_001302746.2).
Identifiers: ClinVar variation 293738 (VCV000293738.21), dbSNP rs201525996, ClinGen allele CA1247568.

ClinVar aggregate classification (germline): Conflicting classifications of pathogenicity. Review status: criteria provided, conflicting classifications (1 of 4 stars). 6 submissions from 5 submitters: Uncertain significance (2); Benign (2); Likely benign (2). Last evaluated 2026-07-01.

Conditions:
Autoimmune lymphoproliferative syndrome type 1. Also called: AUTOIMMUNE LYMPHOPROLIFERATIVE SYNDROME, TYPE I, AUTOSOMAL DOMINANT. Identifiers: Orphanet 3261, MedGen C2717884, MONDO:0011158, OMIM 601859.
Lung cancer. Also called: Lung cancer, somatic; Malignant tumor of lung. Identifiers: MedGen C0242379, MONDO:0008903, OMIM 211980.

Allele frequency attached by ClinVar (database versions not stated): gnomAD exomes 0.00024 and 0.00066; ExAC 0.00084; 1000 Genomes Project 0.00180; gnomAD 0.00210; ESP Exome Variant Server 0.00223; TOPMed 0.00228; 1000 Genomes Project 30x 0.00234.

Submissions (6):

CeGaT Center for Human Genetics Tuebingen
Classification: Likely benign. Last evaluated: 2026-07-01. Review status: criteria provided, single submitter. Criteria: CeGaT Center For Human Genetics Tuebingen Variant Classification Criteria Version 2. Collection method: clinical testing. Allele origin: germline. Affected: yes. Observed: 1 variant allele.
Comment: FASLG: BS2

Labcorp Genetics (formerly Invitae), Labcorp
Classification: Benign for Autoimmune lymphoproliferative syndrome. Last evaluated: 2025-12-25. Review status: criteria provided, single submitter. Criteria: Invitae Variant Classification Sherloc (09022015). Collection method: clinical testing. Allele origin: germline.

Blueprint Genetics
Classification: Likely benign. Last evaluated: 2023-12-07. Review status: criteria provided, single submitter. Criteria: ACMG Guidelines, 2015. Collection method: clinical testing. Allele origin: germline.

Illumina Laboratory Services, Illumina
Classification: Benign for Autoimmune lymphoproliferative syndrome type 1. Last evaluated: 2018-01-13. Review status: criteria provided, single submitter. Criteria: ICSL Variant Classification Criteria 13 December 2019. Collection method: clinical testing. Allele origin: germline.
Comment: This variant was observed in the ICSL laboratory as part of a predisposition screen in an ostensibly healthy population. It had not been previously curated by ICSL or reported in the Human Gene Mutation Database (HGMD: prior to June 1st, 2018), and was therefore a candidate for classification through an automated scoring system. Utilizing variant allele frequency, disease prevalence and penetrance estimates, and inheritance mode, an automated score was calculated to assess if this variant is too frequent to cause the disease. Based on the score and internal cut-off values, a variant classified as benign is not then subjected to further curation. The score for this variant resulted in a classification of benign for this disease.

Center for Genomics, Ann and Robert H. Lurie Children's Hospital of Chicago
Classification: Uncertain significance for Autoimmune lymphoproliferative syndrome type 1. Last evaluated: 2017-12-20. Review status: criteria provided, single submitter. Criteria: ACMG Guidelines, 2015. Collection method: clinical testing. Allele origin: germline.
Comment: FASLG NM_000639.2 exon 3 c.451+7A>G: This variant has not been reported in the literature but is present in 0.8% (206/24030) of African alleles including 1 homozygote in the Genome Aggregation Database. This variant is present in ClinVar (Variation ID:293738). Evolutionary conservation and computational predictive tools for this variant are limited or unavailable. This variant is an intronic variant with no predicted change in the amino acid sequence but may have an unknown effect on splicing. Further studies are needed to understand its impact. In summary, data on this variant is insufficient for disease classification. Therefore, the clinical significance of this variant is uncertain.

Center for Genomics, Ann and Robert H. Lurie Children's Hospital of Chicago
Classification: Uncertain significance for Autoimmune lymphoproliferative syndrome type 1; Lung cancer. Review status: criteria provided, single submitter. Criteria: ACMG Guidelines, 2015. Collection method: clinical testing. Allele origin: germline.
Comment: This variant has not been reported in the literature but is present in 0.8% (207/24964) of African alleles including 1 homozygote in the Genome Aggregation Database. This variant is present in ClinVar (Variation ID:293738). Evolutionary conservation and computational predictive tools for this variant are limited or unavailable. This variant is an intronic variant with no predicted change in the amino acid sequence but may have an unknown effect on splicing. Further studies are needed to understand its impact. In summary, data on this variant is insufficient for disease classification. Therefore, the clinical significance of this variant is uncertain.